The following is an entry in ClinVar:

ClinVar aggregate classification (germline): Uncertain significance. Review status: criteria provided, multiple submitters, no conflicts (2 of 4 stars). 3 submissions from 3 submitters: Uncertain significance (2). 1 of the submissions does not count toward it. Last evaluated 2025-10-14.

Conditions:
KIF4A-related disorder. Also called: KIF4A-related condition.
Intellectual developmental disorder, X-linked 100. Also called: Intellectual disability, X-linked 100. Identifiers: MedGen C3890167, MONDO:0010488, OMIM 300923.

Allele frequency attached by ClinVar (database versions not stated): gnomAD exomes 0.00003; ExAC 0.00006; ESP Exome Variant Server 0.00019; gnomAD 0.00027; TOPMed 0.00034; 1000 Genomes Project 0.00053; 1000 Genomes Project 30x 0.00062.
gnomAD v4.1: 61 of 1,205,628 alleles (0.0051%); highest among the groups gnomAD compares: African/African-American, 0.087%; 1 homozygote.

Submissions (3):

Ambry Genetics
Classification: Uncertain significance. Last evaluated: 2025-10-14. Review status: criteria provided, single submitter. Criteria: Ambry Variant Classification Scheme 2023. Collection method: clinical testing. Allele origin: germline.

Pittsburgh Clinical Genomics Laboratory, University of Pittsburgh Medical Center
Classification: Uncertain significance for Intellectual developmental disorder, X-linked 100. Last evaluated: 2023-06-15. Review status: criteria provided, single submitter. Criteria: ACMG Guidelines, 2015. Collection method: clinical testing. Allele origin: germline. Inheritance: X-linked recessive inheritance. Affected: yes.
Comment: This sequence variant is a single nucleotide substitution (G>A) at position 1955 of the coding sequence of the KIF4A gene that results in an arginine to histidine amino acid change at residue 652 of the kinesin family member 4A protein. This variant is absent from ClinVar and has not been reported in individuals in the literature with KIF4A-related disorders, to our knowledge. This variant is present in 18 of 204199 alleles (0.0088%) in the gnomAD population dataset, including 6 hemizygous individuals. Multiple bioinformatic tools predict that this arginine to histidine amino acid change would be damaging, and the Arg652 residue is highly conserved across the vertebrate species examined. Studies examining the functiol consequence of this variant have not been performed, to our knowledge. At this time, there is insufficient evidence to determine if this variant is pathogenic or benign. Therefore, we consider this to be a variant of uncertain significance. ACMG Criteria: PM2, PP3

PreventionGenetics, part of Exact Sciences
Classification: Likely benign for KIF4A-related condition. Last evaluated: 2022-05-17. Review status: no assertion criteria provided. Collection method: clinical testing. Allele origin: germline. Not counted in ClinVar's aggregate classification.
Comment: This variant is classified as likely benign based on ACMG/AMP sequence variant interpretation guidelines (Richards et al. 2015 PMID: 25741868, with internal and published modifications).

NM_012310.5(KIF4A):c.1955G>A (p.Arg652His)

Gene: KIF4A (kinesin family member 4A; plus strand). Cytogenetic location: Xq13.1.
Variant type: single nucleotide variant.
Coding change: c.1955G>A on transcript NM_012310.5 (MANE Select); coding-DNA position 1955, G replaced by A.
Protein change: p.Arg652His; replaces arginine 652 with histidine.
Molecular consequence: missense variant.
Genome position (GRCh38, 1-based): chrX:70,376,131, G>A. VCF-style: chrX-70376131-G-A. GRCh37 (hg19) VCF-style: chrX-69595981-G-A.
Other names: short protein forms R652H.
Identifiers: ClinVar variation 3056938 (VCV003056938.4), dbSNP rs35473790, ClinGen allele CA10441234.